The following is an entry in ClinVar:

NM_198428.3(BBS9):c.1094T>C (p.Leu365Pro)

Gene: BBS9 (Bardet-Biedl syndrome 9; plus strand). Cytogenetic location: 7p14.3.
Variant type: single nucleotide variant.
Coding change: c.1094T>C on transcript NM_198428.3 (MANE Select); coding-DNA position 1094, T replaced by C.
Protein change: p.Leu365Pro; replaces leucine 365 with proline.
Molecular consequence: missense variant. On other transcripts: non-coding transcript variant (3).
Genome position (GRCh38, 1-based): chr7:33,336,518, T>C. VCF-style: chr7-33336518-T-C. GRCh37 (hg19) VCF-style: chr7-33376130-T-C.
Other names: c.1094T>C, p.Leu365Pro (NM_001033604.2, NM_001033605.2, NM_001348036.1 and 5 more transcripts); c.728T>C, p.Leu243Pro (NM_001348037.3, NM_001348044.3, NM_001348045.3 and 1 more transcripts); c.821T>C, p.Leu274Pro (NM_001348038.3, NM_001348039.3); c.959T>C, p.Leu320Pro (NM_001348042.3); short protein forms L365P, L320P, L274P, L243P.
Identifiers: ClinVar variation 4982909 (VCV004982909.1).

ClinVar aggregate classification (germline): Uncertain significance (1 of 4 stars; one submission).

Conditions:
BBS9-related disorder. Also called: BBS9-related condition.

gnomAD v4.1: 3 of 1,613,640 alleles (0.00019%); highest among the groups gnomAD compares: Non-Finnish European, 0.00025%; no homozygotes.

Submission:

PreventionGenetics, part of Exact Sciences
Classification: Uncertain significance for BBS9-related condition. Last evaluated: 2026-03-30. Review status: criteria provided, single submitter. Criteria: ACMG Guidelines, 2015. Collection method: clinical testing. Allele origin: germline.
Comment: The BBS9 c.1094T>C variant is predicted to result in the amino acid substitution p.Leu365Pro. To our knowledge, this variant has not been reported in the literature or in a large population database (gnomAD), indicating this variant is rare. At this time, the clinical significance of this variant is uncertain due to the absence of conclusive functional and genetic evidence.